The following is an entry in ClinVar:

NM_018834.6(MATR3):c.878G>A (p.Cys293Tyr)

Gene: MATR3 (matrin 3; plus strand). Cytogenetic location: 5q31.2.
Variant type: single nucleotide variant.
Coding change: c.878G>A on transcript NM_018834.6 (MANE Select); coding-DNA position 878, G replaced by A.
Protein change: p.Cys293Tyr; replaces cysteine 293 with tyrosine.
Molecular consequence: missense variant. On other transcripts: intron variant (11).
Genome position (GRCh38, 1-based): chr5:139,308,293, G>A. VCF-style: chr5-139308293-G-A. GRCh37 (hg19) VCF-style: chr5-138643982-G-A.
Other names: c.878G>A, p.Cys293Tyr (NM_001194954.2, NM_001194955.2, NM_001400441.1 and 16 more transcripts); c.52-6382G>A (NM_001400459.1); c.-102-6382G>A (NM_001400463.1, NM_001400460.1, NM_001282278.2 and 3 more transcripts); c.-40-7404G>A (NM_001400462.1, NM_001400467.1); c.13-6382G>A (NM_001400461.1); c.49-6382G>A (NM_001194956.2); short protein forms C293Y.
Identifiers: ClinVar variation 2008499 (VCV002008499.4), dbSNP rs2546759407, ClinGen allele CA361488278.

ClinVar aggregate classification (germline): Uncertain significance (1 of 4 stars; one submission).

Conditions:
Amyotrophic lateral sclerosis type 21. Also called: VOCAL CORD AND PHARYNGEAL DYSFUNCTION WITH DISTAL MYOPATHY; MYOPATHY, DISTAL, 2. Identifiers: Orphanet 600, Orphanet 803, MedGen C3807521, MONDO:0011632, OMIM 606070.

Submission:

Labcorp Genetics (formerly Invitae), Labcorp
Classification: Uncertain significance for Amyotrophic lateral sclerosis type 21. Last evaluated: 2022-06-19. Review status: criteria provided, single submitter. Criteria: Invitae Variant Classification Sherloc (09022015). Collection method: clinical testing. Allele origin: germline.
Comment: This variant is not present in population databases (gnomAD no frequency). This sequence change replaces cysteine, which is neutral and slightly polar, with tyrosine, which is neutral and polar, at codon 293 of the MATR3 protein (p.Cys293Tyr). This variant has not been reported in the literature in individuals affected with MATR3-related conditions. Algorithms developed to predict the effect of missense changes on protein structure and function (SIFT, PolyPhen-2, Align-GVGD) all suggest that this variant is likely to be disruptive. In summary, the available evidence is currently insufficient to determine the role of this variant in disease. Therefore, it has been classified as a Variant of Uncertain Significance.